The following is an entry in ClinVar:

ClinVar aggregate classification (germline): Likely benign. Review status: criteria provided, single submitter (1 of 4 stars). 2 submissions from 2 submitters: Likely benign (1). 1 of the submissions does not count toward it. Last evaluated 2025-05-07.

Conditions:
TBX15-related disorder. Also called: TBX15-related condition.

Allele frequency attached by ClinVar (database versions not stated): TOPMed 0.00006; gnomAD 0.00007 and 0.00009; ESP Exome Variant Server 0.00015; ExAC 0.00005.
gnomAD v4.1: 104 of 1,613,828 alleles (0.0064%); highest among the groups gnomAD compares: Admixed American, 0.015%; no homozygotes.

Submissions (2):

Labcorp Genetics (formerly Invitae), Labcorp
Classification: Likely benign. Last evaluated: 2025-05-07. Review status: criteria provided, single submitter. Criteria: Invitae Variant Classification Sherloc (09022015). Collection method: clinical testing. Allele origin: germline.

PreventionGenetics, part of Exact Sciences
Classification: Likely benign for TBX15-related condition. Last evaluated: 2024-09-02. Review status: no assertion criteria provided. Collection method: clinical testing. Allele origin: germline. Not counted in ClinVar's aggregate classification.
Comment: This variant is classified as likely benign based on ACMG/AMP sequence variant interpretation guidelines (Richards et al. 2015 PMID: 25741868, with internal and published modifications).

NM_001330677.2(TBX15):c.792G>C (p.Gly264=)

Gene: TBX15 (T-box transcription factor 15; minus strand). Cytogenetic location: 1p12.
Variant type: single nucleotide variant.
Coding change: c.792G>C on transcript NM_001330677.2 (MANE Select); coding-DNA position 792, G replaced by C.
Protein change: p.Gly264=; no amino-acid change (glycine 264 retained).
Molecular consequence: synonymous variant.
Genome position (GRCh38, 1-based): chr1:118,923,505, C>G on the plus strand (G>C on the coding strand, the complement: TBX15 is on the minus strand). VCF-style: chr1-118923505-C-G. GRCh37 (hg19) VCF-style: chr1-119466128-C-G.
Other names: c.474G>C, p.Gly158= (NM_152380.3).
Identifiers: ClinVar variation 756219 (VCV000756219.7), dbSNP rs140463861, ClinGen allele CA1035000.
Genomic context (GRCh38, chr1:118,923,505, plus strand): 5'-CTGATAGGCCGTAACTGTGGTGAACACAGTCTCAGGAAAGTTGAACGTTTTCACCCCATC[C>G]CCAACAGGAACAGGCTTAGTGGGTGAAAGGTCACTGCTGAAGTCTTTGCGAATCACATGA-3'
Protein context (NP_001317606.1, residues 254-274): DLSPTKPVPV[Gly264=]DGVKTFNFPE